The following is an entry in ClinVar:

ClinVar aggregate classification (germline): Likely benign. Review status: criteria provided, multiple submitters, no conflicts (2 of 4 stars). 4 submissions from 4 submitters: Likely benign (4). Last evaluated 2026-01-26.

Conditions:
Progressive familial heart block type IB (PFHB1B). Identifiers: Orphanet 871, MedGen C1970298, MONDO:0011474, OMIM 604559.
Cardiovascular phenotype. Identifiers: MedGen CN230736.

Allele frequency attached by ClinVar (database versions not stated): gnomAD 0.00004 and 0.00006; TOPMed 0.00006; gnomAD exomes 0.00007 and 0.00019; ExAC 0.00018; 1000 Genomes Project 0.00080.
gnomAD v4.1: 117 of 1,614,094 alleles (0.0072%); highest among the groups gnomAD compares: East Asian, 0.096%; no homozygotes.

Submissions (4):

Labcorp Genetics (formerly Invitae), Labcorp
Classification: Likely benign for Progressive familial heart block type IB. Last evaluated: 2026-01-26. Review status: criteria provided, single submitter. Criteria: Invitae Variant Classification Sherloc (09022015). Collection method: clinical testing. Allele origin: germline.

Blueprint Genetics
Classification: Likely benign. Last evaluated: 2024-09-23. Review status: criteria provided, single submitter. Criteria: ACMG Guidelines, 2015. Collection method: clinical testing. Allele origin: germline.

Ambry Genetics
Classification: Likely benign for Cardiovascular phenotype. Last evaluated: 2020-04-14. Review status: criteria provided, single submitter. Criteria: Ambry Variant Classification Scheme 2023. Collection method: clinical testing. Allele origin: germline.

Illumina Laboratory Services, Illumina
Classification: Likely benign for Progressive familial heart block type IB. Last evaluated: 2017-04-27. Review status: criteria provided, single submitter. Criteria: ICSL Variant Classification Criteria 13 December 2019. Collection method: clinical testing. Allele origin: germline.
Comment: This variant was observed as part of a predisposition screen in an ostensibly healthy population. A literature search was performed for the gene, cDNA change, and amino acid change (where applicable). Publications were found based on this search. The evidence from the literature, in combination with allele frequency data from public databases where available, was sufficient to determine this variant is unlikely to cause disease. Therefore, this variant is classified as likely benign.

Literature cited by the submitters: PubMed 20075334 (cited by Ambry Genetics); PubMed 21887725 (cited by Ambry Genetics and Illumina Laboratory Services, Illumina); PubMed 26272755 (cited by Ambry Genetics).

NM_017636.4(TRPM4):c.878A>G (p.Gln293Arg)

Gene: TRPM4 (transient receptor potential cation channel subfamily M member 4; plus strand). Cytogenetic location: 19q13.33.
Variant type: single nucleotide variant.
Coding change: c.878A>G on transcript NM_017636.4 (MANE Select); coding-DNA position 878, A replaced by G.
Protein change: p.Gln293Arg; replaces glutamine 293 with arginine.
Molecular consequence: missense variant. On other transcripts: 5 prime UTR variant (1).
Genome position (GRCh38, 1-based): chr19:49,171,597, A>G. VCF-style: chr19-49171597-A-G. GRCh37 (hg19) VCF-style: chr19-49674854-A-G.
Other names: c.878A>G, p.Gln293Arg (NM_001195227.2); c.533A>G, p.Gln178Arg (NM_001321281.2); c.-676A>G (NM_001321282.2); c.356A>G, p.Gln119Arg (NM_001321283.2); c.29A>G, p.Gln10Arg (NM_001321285.2); short protein forms Q10R, Q119R, Q178R, Q293R.
Identifiers: ClinVar variation 698661 (VCV000698661.16), dbSNP rs172147855, ClinGen allele CA9569007.